The following is an entry in ClinVar:

ClinVar aggregate classification (germline): Uncertain significance (1 of 4 stars; one submission).

Conditions:
LAMB2-related infantile-onset nephrotic syndrome. Also called: Nephrotic Syndrome, type 5; NEPHROTIC SYNDROME, TYPE 5, WITHOUT OCULAR ABNORMALITIES; NEPHROTIC SYNDROME, TYPE 5, WITH OCULAR ABNORMALITIES. Identifiers: Orphanet 306507, MedGen C3280113, MONDO:0013621, OMIM 614199.
Pierson syndrome. Also called: MICROCORIA-CONGENITAL NEPHROTIC SYNDROME. Identifiers: Orphanet 2670, MedGen C1836876, MONDO:0012184, OMIM 609049.

gnomAD v4.1: 3 of 1,613,352 alleles (0.00019%); highest among the groups gnomAD compares: South Asian, 0.0033%; no homozygotes.

Submission:

Labcorp Genetics (formerly Invitae), Labcorp
Classification: Uncertain significance for LAMB2-related infantile-onset nephrotic syndrome; Pierson syndrome. Last evaluated: 2024-10-18. Review status: criteria provided, single submitter. Criteria: Invitae Variant Classification Sherloc (09022015). Collection method: clinical testing. Allele origin: germline.
Comment: This sequence change replaces alanine, which is neutral and non-polar, with glycine, which is neutral and non-polar, at codon 158 of the LAMB2 protein (p.Ala158Gly). This variant is not present in population databases (gnomAD no frequency). This variant has not been reported in the literature in individuals affected with LAMB2-related conditions. ClinVar contains an entry for this variant (Variation ID: 2045951). An algorithm developed to predict the effect of missense changes on protein structure and function (PolyPhen-2) suggests that this variant is likely to be disruptive. In summary, the available evidence is currently insufficient to determine the role of this variant in disease. Therefore, it has been classified as a Variant of Uncertain Significance.

NM_002292.4(LAMB2):c.473C>G (p.Ala158Gly)

Gene: LAMB2 (laminin subunit beta 2; minus strand). Cytogenetic location: 3p21.31.
Variant type: single nucleotide variant.
Coding change: c.473C>G on transcript NM_002292.4 (MANE Select); coding-DNA position 473, C replaced by G.
Protein change: p.Ala158Gly; replaces alanine 158 with glycine.
Molecular consequence: missense variant.
Genome position (GRCh38, 1-based): chr3:49,131,710, G>C on the plus strand (C>G on the coding strand, the complement: LAMB2 is on the minus strand). VCF-style: chr3-49131710-G-C. GRCh37 (hg19) VCF-style: chr3-49169143-G-C.
Other names: short protein forms A158G.
Identifiers: ClinVar variation 2045951 (VCV002045951.4), dbSNP rs1178588011, ClinGen allele CA352751183.